The following is an entry in ClinVar:

ClinVar aggregate classification (germline): Pathogenic (1 of 4 stars; one submission).

Conditions:
Hereditary spastic paraplegia 4. Also called: Spastic paraplegia 4, autosomal dominant; Spastic Paraplegia 4; Familial spastic paraplegia autosomal dominant 2. Identifiers: Orphanet 100985, MedGen C1866855, MONDO:0008438, OMIM 182601.

Submission:

Labcorp Genetics (formerly Invitae), Labcorp
Classification: Pathogenic for Hereditary spastic paraplegia 4. Last evaluated: 2020-12-03. Review status: criteria provided, single submitter. Criteria: Invitae Variant Classification Sherloc (09022015). Collection method: clinical testing. Allele origin: germline.
Comment: This variant is not present in population databases (ExAC no frequency). For these reasons, this variant has been classified as Pathogenic. Algorithms developed to predict the effect of sequence changes on RNA splicing suggest that this variant may disrupt the consensus splice site, but this prediction has not been confirmed by published transcriptional studies. Disruption of this splice site has been observed in individual(s) with hereditary spastic paraplegia (PMID: 12552568, 25421405). This sequence change affects an acceptor splice site in intron 6 of the SPAST gene. It is expected to disrupt RNA splicing. Variants that disrupt the donor or acceptor splice site typically lead to a loss of protein function (PMID: 16199547), and loss-of-function variants in SPAST are known to be pathogenic (PMID: 20932283).

Literature cited by the submitters: PubMed 12552568; PubMed 25421405; PubMed 16199547; PubMed 20932283.

NM_014946.4(SPAST):c.1005-1G>T

Gene: SPAST (spastin; plus strand). Cytogenetic location: 2p22.3.
Variant type: single nucleotide variant.
Coding change: c.1005-1G>T on transcript NM_014946.4 (MANE Select); the canonical splice acceptor site of the intron before coding-DNA position 1005, G replaced by T.
Molecular consequence: splice acceptor variant.
Genome position (GRCh38, 1-based): chr2:32,116,118, G>T. VCF-style: chr2-32116118-G-T. GRCh37 (hg19) VCF-style: chr2-32341187-G-T.
Other names: c.909-1G>T (NM_199436.2, NM_001377959.1); c.1002-1G>T (NM_001363823.2); c.906-1G>T (NM_001363875.2).
Identifiers: ClinVar variation 1453046 (VCV001453046.8), dbSNP rs1553315318, ClinGen allele CA346499582.